The following is an entry in ClinVar:

ClinVar aggregate classification (germline): Uncertain significance (1 of 4 stars; one submission).

Conditions:
Hereditary spastic paraplegia 35. Also called: Spastic paraplegia 35; SPASTIC PARAPLEGIA 35, AUTOSOMAL RECESSIVE, WITH OR WITHOUT NEURODEGENERATION; LEUKODYSTROPHY, DYSMYELINATING, AND SPASTIC PARAPARESIS WITH OR WITHOUT DYSTONIA; Spastic paraplegia 35, autosomal recessive. Identifiers: Orphanet 171629, MedGen C3496228, MONDO:0012866, OMIM 612319.

Submission:

OLLIN Analises Genomicas, OLLIN
Classification: Uncertain significance for Hereditary spastic paraplegia 35. Last evaluated: 2026-08-06. Review status: criteria provided, single submitter. Criteria: ACMG Guidelines 2015 PMID 25741868. Collection method: clinical testing. Allele origin: germline.
Comment: This missense variant, located in exon 5 (of 7), is absent from gnomAD and ClinVar and has not been identified in the literature. In silico analysis predicts that this variant has a tolerated effect. According to the currently available evidence, this variant has been classified as uncertain significance (PM2_P, BP4).

NM_024306.5(FA2H):c.685A>G (p.Ile229Val)

Gene: FA2H (fatty acid 2-hydroxylase; minus strand). Cytogenetic location: 16q23.1.
Variant type: single nucleotide variant.
Coding change: c.685A>G on transcript NM_024306.5 (MANE Select); coding-DNA position 685, A replaced by G.
Protein change: p.Ile229Val; replaces isoleucine 229 with valine.
Molecular consequence: missense variant.
Genome position (GRCh38, 1-based): chr16:74,719,089, T>C on the plus strand (A>G on the coding strand, the complement: FA2H is on the minus strand). VCF-style: chr16-74719089-T-C. GRCh37 (hg19) VCF-style: chr16-74752987-T-C.
Other names: short protein forms I229V.
Identifiers: ClinVar variation 5002908 (VCV005002908.1).